The following is an entry in ClinVar:

ClinVar aggregate classification (germline): Uncertain significance. Review status: criteria provided, single submitter (1 of 4 stars). 2 submissions from 2 submitters: Uncertain significance (1). 1 of the submissions does not count toward it. Last evaluated 2021-08-30.

Conditions:
Zellweger spectrum disorders (ZS). Also called: Zellweger Spectrum Disorder; Zellweger Spectrum; Zellweger Spectrum Disorder (ZSD); Zellweger syndrome. Identifiers: Orphanet 912, MedGen C0043459, MONDO:0019609.
Peroxisome biogenesis disorder. Identifiers: Orphanet 79189, MedGen C1832200, MONDO:0019234. Disease mechanism: loss of function.

Allele frequency attached by ClinVar (database versions not stated): ExAC below 0.00001; gnomAD exomes 0.00001 and 0.00003.
gnomAD v4.1: 8 of 1,578,526 alleles (0.00051%); highest among the groups gnomAD compares: South Asian, 0.0057%; no homozygotes.

Submissions (2):

Labcorp Genetics (formerly Invitae), Labcorp
Classification: Uncertain significance for Peroxisome biogenesis disorder. Last evaluated: 2021-08-30. Review status: criteria provided, single submitter. Criteria: Invitae Variant Classification Sherloc (09022015). Collection method: clinical testing. Allele origin: germline.
Comment: This sequence change replaces leucine with phenylalanine at codon 499 of the PEX6 protein (p.Leu499Phe). The leucine residue is highly conserved and there is a small physicochemical difference between leucine and phenylalanine. The frequency data for this variant in the population databases is considered unreliable, as metrics indicate poor data quality at this position in the ExAC database. This variant has not been reported in the literature in individuals affected with PEX6-related conditions. Algorithms developed to predict the effect of missense changes on protein structure and function are either unavailable or do not agree on the potential impact of this missense change (SIFT: "Deleterious"; PolyPhen-2: "Probably Damaging"; Align-GVGD: "Class C0"). In summary, the available evidence is currently insufficient to determine the role of this variant in disease. Therefore, it has been classified as a Variant of Uncertain Significance.

Natera, Inc.
Classification: Uncertain significance for Zellweger syndrome. Last evaluated: 2021-04-09. Review status: no assertion criteria provided. Collection method: clinical testing. Allele origin: germline. Not counted in ClinVar's aggregate classification.

NM_000287.4(PEX6):c.1495C>T (p.Leu499Phe)

Gene: PEX6 (peroxisomal biogenesis factor 6; minus strand). Cytogenetic location: 6p21.1.
Variant type: single nucleotide variant.
Coding change: c.1495C>T on transcript NM_000287.4 (MANE Select); coding-DNA position 1495, C replaced by T.
Protein change: p.Leu499Phe; replaces leucine 499 with phenylalanine.
Molecular consequence: missense variant. On other transcripts: non-coding transcript variant (1).
Genome position (GRCh38, 1-based): chr6:42,968,483, G>A on the plus strand (C>T on the coding strand, the complement: PEX6 is on the minus strand). VCF-style: chr6-42968483-G-A. GRCh37 (hg19) VCF-style: chr6-42936221-G-A.
Other names: c.1231C>T, p.Leu411Phe (NM_001316313.2); short protein forms L411F, L499F.
Identifiers: ClinVar variation 1013894 (VCV001013894.3), dbSNP rs769207892, ClinGen allele CA3811310.